The following is an entry in ClinVar:

NM_031844.3(HNRNPU):c.380C>T (p.Ala127Val)

Gene: HNRNPU (heterogeneous nuclear ribonucleoprotein U; minus strand). Cytogenetic location: 1q44.
Variant type: single nucleotide variant.
Coding change: c.380C>T on transcript NM_031844.3 (MANE Select); coding-DNA position 380, C replaced by T.
Protein change: p.Ala127Val; replaces alanine 127 with valine.
Molecular consequence: missense variant.
Genome position (GRCh38, 1-based): chr1:244,863,928, G>A on the plus strand (C>T on the coding strand, the complement: HNRNPU is on the minus strand). VCF-style: chr1-244863928-G-A. GRCh37 (hg19) VCF-style: chr1-245027230-G-A.
Other names: c.380C>T, p.Ala127Val (NM_004501.3); short protein forms A127V.
Identifiers: ClinVar variation 446394 (VCV000446394.6), dbSNP rs776690627, ClinGen allele CA1486809.

ClinVar aggregate classification (germline): Uncertain significance (1 of 4 stars; one submission).

Conditions:
Developmental and epileptic encephalopathy, 54. Also called: HNRNPU-Related Neurodevelopmental Disorder; Epileptic encephalopathy, early infantile, 54. Identifiers: MedGen C4479319, MONDO:0033363, OMIM 617391.

Allele frequency attached by ClinVar (database versions not stated): gnomAD exomes 0.00001 and below 0.00001; ExAC 0.00001.
gnomAD v4.1: 5 of 1,613,820 alleles (0.00031%); highest among the groups gnomAD compares: South Asian, 0.0011%; no homozygotes.

Submission:

Labcorp Genetics (formerly Invitae), Labcorp
Classification: Uncertain significance for Developmental and epileptic encephalopathy, 54. Last evaluated: 2021-08-24. Review status: criteria provided, single submitter. Criteria: Invitae Variant Classification Sherloc (09022015). Collection method: clinical testing. Allele origin: germline.
Comment: This sequence change replaces alanine with valine at codon 127 of the HNRNPU protein (p.Ala127Val). The alanine residue is weakly conserved and there is a small physicochemical difference between alanine and valine. This variant is present in population databases (rs776690627, ExAC 0.006%). This variant has not been reported in the literature in individuals affected with HNRNPU-related conditions. Algorithms developed to predict the effect of missense changes on protein structure and function are either unavailable or do not agree on the potential impact of this missense change (SIFT: "Tolerated"; PolyPhen-2: "Possibly Damaging"; Align-GVGD: "Class C0"). In summary, the available evidence is currently insufficient to determine the role of this variant in disease. Therefore, it has been classified as a Variant of Uncertain Significance.